The following is an entry in ClinVar:

ClinVar aggregate classification (germline): Uncertain significance. Review status: criteria provided, multiple submitters, no conflicts (2 of 4 stars). 2 submissions from 2 submitters: Uncertain significance (2). Last evaluated 2026-06-09.

Conditions:
Cardiovascular phenotype. Identifiers: MedGen CN230736.
Hereditary cancer-predisposing syndrome. Also called: Neoplastic Syndromes, Hereditary; Tumor predisposition; Hereditary Cancer Syndrome; Hereditary neoplastic syndrome. Identifiers: Orphanet 140162, MedGen C0027672, MeSH D009386, MONDO:0015356.
Neurofibromatosis, type 1 (NF1). Also called: VON RECKLINGHAUSEN DISEASE; NEUROFIBROMATOSIS, TYPE I, SOMATIC; Peripheral type neurofibromatosis; Neurofibromatosis, type I. Identifiers: Orphanet 636, MedGen C0027831, MONDO:0018975, OMIM 162200. Disease mechanism: loss of function.

Allele frequency attached by ClinVar (database versions not stated): gnomAD exomes below 0.00001.
gnomAD v4.1: 1 of 1,614,106 alleles (0.000062%); highest among the groups gnomAD compares: Non-Finnish European, 0.000085%; no homozygotes.

Submissions (2):

Ambry Genetics
Classification: Uncertain significance for Cardiovascular phenotype; Hereditary cancer-predisposing syndrome. Last evaluated: 2026-06-09. Review status: criteria provided, single submitter. Criteria: Ambry Variant Classification Scheme 2023. Collection method: clinical testing. Allele origin: germline.
Comment: The p.L2714V variant (also known as c.8140C>G), located in coding exon 56 of the NF1 gene, results from a C to G substitution at nucleotide position 8140. The leucine at codon 2714 is replaced by valine, an amino acid with highly similar properties. This amino acid position is highly conserved in available vertebrate species. In addition, this alteration is predicted to be tolerated by in silico analysis. Based on the available evidence, the clinical significance of this variant remains unclear.

Labcorp Genetics (formerly Invitae), Labcorp
Classification: Uncertain significance for Neurofibromatosis, type 1. Last evaluated: 2023-12-14. Review status: criteria provided, single submitter. Criteria: Invitae Variant Classification Sherloc (09022015). Collection method: clinical testing. Allele origin: germline.
Comment: This sequence change replaces leucine, which is neutral and non-polar, with valine, which is neutral and non-polar, at codon 2714 of the NF1 protein (p.Leu2714Val). This variant is not present in population databases (gnomAD no frequency). This variant has not been reported in the literature in individuals affected with NF1-related conditions. ClinVar contains an entry for this variant (Variation ID: 2101158). Advanced modeling of protein sequence and biophysical properties (such as structural, functional, and spatial information, amino acid conservation, physicochemical variation, residue mobility, and thermodynamic stability) performed at Invitae indicates that this missense variant is expected to disrupt NF1 protein function with a positive predictive value of 95%. In summary, the available evidence is currently insufficient to determine the role of this variant in disease. Therefore, it has been classified as a Variant of Uncertain Significance.

NM_001042492.3(NF1):c.8203C>G (p.Leu2735Val)

Gene: NF1 (neurofibromin 1; plus strand). Cytogenetic location: 17q11.2.
Variant type: single nucleotide variant.
Coding change: c.8203C>G on transcript NM_001042492.3 (MANE Select); coding-DNA position 8203, C replaced by G.
Protein change: p.Leu2735Val; replaces leucine 2735 with valine.
Molecular consequence: missense variant.
Genome position (GRCh38, 1-based): chr17:31,360,529, C>G. VCF-style: chr17-31360529-C-G. GRCh37 (hg19) VCF-style: chr17-29687547-C-G.
Other names: c.8140C>G, p.Leu2714Val (NM_000267.4); short protein forms L2714V, L2735V.
Identifiers: ClinVar variation 2101158 (VCV002101158.5), dbSNP rs1320931283, ClinGen allele CA399204508.
Genomic context (GRCh38, chr17:31,360,529, plus strand): 5'-TCCTATTTTCCATTACAGCAAACACAAATTCCAGACTATGCTGAGCTTATTGTTAAGTTT[C>G]TTGATGCCTTGATTGACACGTACCTGCCTGGAATTGATGAAGAAACCAGTGAAGAATCCC-3'
Protein context (NP_001035957.1, residues 2725-2745): PDYAELIVKF[Leu2735Val]DALIDTYLPG